The following is an entry in ClinVar:

ClinVar aggregate classification (germline): Likely benign. Review status: criteria provided, multiple submitters, no conflicts (2 of 4 stars). 3 submissions from 3 submitters: Likely benign (3). Last evaluated 2025-11-03.

Conditions:
Cardiomyopathy (CMYO). Also called: Cardiomyopathies. Identifiers: Orphanet 167848, MedGen C0878544, MONDO:0004994, HP:0001638. Inheritance: Various modes of inheritance.
Arrhythmogenic right ventricular cardiomyopathy (ARVD). Also called: Arrhythmogenic cardiomyopathy; Cardiomyopathy, ARVC; Arrhythmogenic right ventricular dysplasia; Arrhythmogenic Right Ventricular Cardiomyopathy (ARVC). Identifiers: Orphanet 247, MedGen C0349788, MeSH D019571, MONDO:0016587. Disease mechanism: loss of function. Inheritance: Various modes of inheritance.
Arrhythmogenic right ventricular dysplasia 10. Also called: Arrhythmogenic Right Ventricular Dysplasia/Cardiomyopathy10; ARRHYTHMOGENIC RIGHT VENTRICULAR DYSPLASIA, FAMILIAL, 10; Arrhythmogenic right ventricular dysplasia/cardiomyopathy, type 10. Identifiers: MedGen C1857777, MONDO:0012434, OMIM 610193.

Allele frequency attached by ClinVar (database versions not stated): gnomAD exomes below 0.00001 and 0.00001; ExAC 0.00002; TOPMed 0.00002.
gnomAD v4.1: 6 of 1,614,226 alleles (0.00037%); highest among the groups gnomAD compares: Non-Finnish European, 0.00051%; no homozygotes.

Submissions (3):

Labcorp Genetics (formerly Invitae), Labcorp
Classification: Likely benign for Arrhythmogenic right ventricular dysplasia 10. Last evaluated: 2025-11-03. Review status: criteria provided, single submitter. Criteria: Invitae Variant Classification Sherloc (09022015). Collection method: clinical testing. Allele origin: germline.

All of Us Research Program, National Institutes of Health
Classification: Likely benign for Arrhythmogenic right ventricular cardiomyopathy. Last evaluated: 2023-05-31. Review status: criteria provided, single submitter. Criteria: ACMG Guidelines, 2015. Collection method: clinical testing. Allele origin: germline. Inheritance: Autosomal dominant inheritance. Observed: 1 variant allele, 1 heterozygote.
Comment: This study involves interpretation of variants in research participants for the purpose of population health screening. Participant phenotype was not available at the time of variant classification. Additional details can be found in publication PMID: 35346344, PMCID: PMC8962531

Color Diagnostics, LLC DBA Color Health
Classification: Likely benign for Cardiomyopathy. Last evaluated: 2019-06-30. Review status: criteria provided, single submitter. Criteria: ACMG Guidelines, 2015. Collection method: clinical testing. Allele origin: germline.

NM_001943.5(DSG2):c.1533G>A (p.Glu511=)

Gene: DSG2 (desmoglein 2; plus strand). Cytogenetic location: 18q12.1.
Variant type: single nucleotide variant.
Coding change: c.1533G>A on transcript NM_001943.5 (MANE Select); coding-DNA position 1533, G replaced by A.
Protein change: p.Glu511=; no amino-acid change (glutamic acid 511 retained).
Molecular consequence: synonymous variant.
Genome position (GRCh38, 1-based): chr18:31,536,311, G>A. VCF-style: chr18-31536311-G-A. GRCh37 (hg19) VCF-style: chr18-29116274-G-A.
Identifiers: ClinVar variation 921667 (VCV000921667.11), dbSNP rs754553761, ClinGen allele CA042791.